The following is an entry in ClinVar:

NM_001376.5(DYNC1H1):c.10950C>T (p.Asn3650=)

Gene: DYNC1H1 (dynein cytoplasmic 1 heavy chain 1; plus strand). Cytogenetic location: 14q32.31.
Variant type: single nucleotide variant.
Coding change: c.10950C>T on transcript NM_001376.5 (MANE Select); coding-DNA position 10950, C replaced by T.
Protein change: p.Asn3650=; no amino-acid change (asparagine 3650 retained).
Molecular consequence: synonymous variant.
Genome position (GRCh38, 1-based): chr14:102,038,501, C>T. VCF-style: chr14-102038501-C-T. GRCh37 (hg19) VCF-style: chr14-102504838-C-T.
Other names: p.N3650N:AAC>AAT; p.Asn3650=.
Identifiers: ClinVar variation 128927 (VCV000128927.34), dbSNP rs17541505, ClinGen allele CA152626.

ClinVar aggregate classification (germline): Benign. Review status: criteria provided, multiple submitters, no conflicts (2 of 4 stars). 14 submissions from 13 submitters: Benign (11). 3 of the submissions do not count toward it. Last evaluated 2026-02-03.

Conditions:
Autosomal dominant cerebellar ataxia. Also called: Spinocerebellar Ataxia, Dominant. Identifiers: Orphanet 99, MedGen C4087347, MONDO:0020380.
Charcot-Marie-Tooth disease. Also called: Charcot-Marie-Tooth Neuropathy; Charcot-Marie-Tooth Hereditary Neuropathy. Identifiers: Orphanet 166, MedGen C0007959, MONDO:0015626.
Inborn genetic diseases. Identifiers: MedGen C0950123, MeSH D030342.
Charcot-Marie-Tooth disease axonal type 2O. Also called: CHARCOT-MARIE-TOOTH NEUROPATHY, AXONAL, TYPE 2O; CHARCOT-MARIE-TOOTH DISEASE, AXONAL, AUTOSOMAL DOMINANT, TYPE 2O; Charcot-Marie-Tooth Neuropathy Type 2O; Charcot-Marie-Tooth disease, axonal, type 20. Identifiers: Orphanet 284232, MedGen C3280220, MONDO:0013644, OMIM 614228.

Allele frequency attached by ClinVar (database versions not stated): TOPMed 0.05500; gnomAD 0.05906 and 0.06110; ESP Exome Variant Server 0.06082; 1000 Genomes Project 30x 0.06199; 1000 Genomes Project 0.06210; gnomAD exomes 0.06758 and 0.06926; ExAC 0.06942.
gnomAD v4.1: 110,353 of 1,614,040 alleles (6.8%); highest among the groups gnomAD compares: South Asian, 12%; 4,145 homozygotes.

Submissions (14):

Labcorp Genetics (formerly Invitae), Labcorp
Classification: Benign for Charcot-Marie-Tooth disease axonal type 2O. Last evaluated: 2026-02-03. Review status: criteria provided, single submitter. Criteria: Invitae Variant Classification Sherloc (09022015). Collection method: clinical testing. Allele origin: germline.

Illumina Laboratory Services, Illumina
Classification: Benign for Charcot-Marie-Tooth disease axonal type 2O. Last evaluated: 2018-01-12. Review status: criteria provided, single submitter. Criteria: ICSL Variant Classification Criteria 13 December 2019. Collection method: clinical testing. Allele origin: germline.
Comment: This variant was observed in the ICSL laboratory as part of a predisposition screen in an ostensibly healthy population. It had not been previously curated by ICSL or reported in the Human Gene Mutation Database (HGMD: prior to June 1st, 2018), and was therefore a candidate for classification through an automated scoring system. Utilizing variant allele frequency, disease prevalence and penetrance estimates, and inheritance mode, an automated score was calculated to assess if this variant is too frequent to cause the disease. Based on the score and internal cut-off values, a variant classified as benign is not then subjected to further curation. The score for this variant resulted in a classification of benign for this disease.

Illumina Laboratory Services, Illumina
Classification: Benign for Spinocerebellar Ataxia, Dominant. Last evaluated: 2018-01-12. Review status: criteria provided, single submitter. Criteria: ICSL Variant Classification Criteria 13 December 2019. Collection method: clinical testing. Allele origin: germline.
Comment: the same text as in the submission from Illumina Laboratory Services, Illumina above.

Mayo Clinic Laboratories, Mayo Clinic
Classification: Benign. Last evaluated: 2016-04-28. Review status: criteria provided, single submitter. Criteria: ACMG Guidelines, 2015. Collection method: clinical testing. Allele origin: germline. Observed: 299 variant alleles.

Laboratory for Molecular Medicine, Mass General Brigham Personalized Medicine
Classification: Benign. Last evaluated: 2016-03-28. Review status: criteria provided, single submitter. Criteria: LMM Criteria. Collection method: clinical testing. Allele origin: germline.
Comment: Variant identified in a genome or exome case(s) and assessed due to predicted null impact of the variant or pathogenic assertions in the literature or databases. Disclaimer: This variant has not undergone full assessment. The following are preliminary notes: Frequency

Ambry Genetics
Classification: Benign for Inborn genetic diseases. Last evaluated: 2016-01-08. Review status: criteria provided, single submitter. Criteria: Ambry Variant Classification Scheme 2023. Collection method: clinical testing. Allele origin: germline.

GeneDx
Classification: Benign. Last evaluated: 2013-12-11. Review status: criteria provided, single submitter. Criteria: GeneDx Variant Classification (06012015). Collection method: clinical testing. Allele origin: germline. Affected: yes.
Comment: This variant is considered likely benign or benign based on one or more of the following criteria: it is a conservative change, it occurs at a poorly conserved position in the protein, it is predicted to be benign by multiple in silico algorithms, and/or has population frequency not consistent with disease.

Genetic Services Laboratory, University of Chicago
Classification: Benign for AllHighlyPenetrant. Last evaluated: 2013-04-25. Review status: criteria provided, single submitter. Criteria: ACMG Guidelines, 2007. Collection method: clinical testing. Allele origin: germline. Inheritance: Autosomal dominant inheritance.

Breakthrough Genomics
Classification: Benign. Review status: criteria provided, single submitter. Criteria: ACMG Guidelines, 2015. Collection method: not provided. Allele origin: germline. Inheritance: Autosomal dominant inheritance. Affected: yes.

Molecular Genetics Laboratory, London Health Sciences Centre
Classification: Benign for Charcot-Marie-Tooth disease. Review status: criteria provided, single submitter. Criteria: ACMG Guidelines, 2015. Collection method: clinical testing. Allele origin: germline. Affected: yes.

PreventionGenetics, part of Exact Sciences
Classification: Benign. Review status: criteria provided, single submitter. Criteria: ACMG Guidelines, 2015. Collection method: clinical testing. Allele origin: germline.

Clinical Genetics DNA and cytogenetics Diagnostics Lab, Erasmus MC, Erasmus Medical Center
Classification: Benign. Review status: no assertion criteria provided. Collection method: clinical testing. Allele origin: germline. Affected: yes. Study: VKGL Data-share Consensus. Not counted in ClinVar's aggregate classification.

Clinical Genetics, Academic Medical Center
Classification: Benign. Review status: no assertion criteria provided. Collection method: clinical testing. Allele origin: germline. Affected: yes. Study: VKGL Data-share Consensus. Not counted in ClinVar's aggregate classification.

Joint Genome Diagnostic Labs from Nijmegen and Maastricht, Radboudumc and MUMC+
Classification: Benign. Review status: no assertion criteria provided. Collection method: clinical testing. Allele origin: germline. Affected: yes. Study: VKGL Data-share Consensus. Not counted in ClinVar's aggregate classification.